The following is an entry in ClinVar:

NM_013275.6(ANKRD11):c.4035A>G (p.Lys1345=)

Gene: ANKRD11 (ankyrin repeat domain 11; minus strand). Cytogenetic location: 16q24.3.
Variant type: single nucleotide variant.
Coding change: c.4035A>G on transcript NM_013275.6 (MANE Select); coding-DNA position 4035, A replaced by G.
Protein change: p.Lys1345=; no amino-acid change (lysine 1345 retained).
Molecular consequence: synonymous variant.
Genome position (GRCh38, 1-based): chr16:89,282,507, T>C on the plus strand (A>G on the coding strand, the complement: ANKRD11 is on the minus strand). VCF-style: chr16-89282507-T-C. GRCh37 (hg19) VCF-style: chr16-89348915-T-C.
Other names: c.4035A>G, p.Lys1345= (NM_001256182.2, NM_001256183.2).
Identifiers: ClinVar variation 1737233 (VCV001737233.8), dbSNP rs1325670389, ClinGen allele CA497374488.

ClinVar aggregate classification (germline): Likely benign. Review status: criteria provided, multiple submitters, no conflicts (2 of 4 stars). 3 submissions from 3 submitters: Likely benign (3). Last evaluated 2025-12-01.

Conditions:
KBG syndrome (KBGS). Also called: ANKRD11-Related KBG Syndrome. Identifiers: Orphanet 2332, MedGen C0220687, MONDO:0007846, OMIM 148050.
Inborn genetic diseases. Identifiers: MedGen C0950123, MeSH D030342.

Allele frequency attached by ClinVar (database versions not stated): TOPMed below 0.00001; gnomAD 0.00001; gnomAD exomes 0.00001.
gnomAD v4.1: 12 of 1,614,010 alleles (0.00074%); highest among the groups gnomAD compares: Non-Finnish European, 0.00093%; no homozygotes.

Submissions (3):

CeGaT Center for Human Genetics Tuebingen
Classification: Likely benign. Last evaluated: 2025-12-01. Review status: criteria provided, single submitter. Criteria: CeGaT Center For Human Genetics Tuebingen Variant Classification Criteria Version 2. Collection method: clinical testing. Allele origin: germline. Affected: yes. Observed: 1 variant allele.
Comment: ANKRD11: BP4, BP7

Labcorp Genetics (formerly Invitae), Labcorp
Classification: Likely benign for KBG syndrome. Last evaluated: 2025-06-10. Review status: criteria provided, single submitter. Criteria: Invitae Variant Classification Sherloc (09022015). Collection method: clinical testing. Allele origin: germline.

Ambry Genetics
Classification: Likely benign for Inborn genetic diseases. Last evaluated: 2019-02-23. Review status: criteria provided, single submitter. Criteria: Ambry Variant Classification Scheme 2023. Collection method: clinical testing. Allele origin: germline.